The following is an entry in ClinVar:

ClinVar aggregate classification (germline): Benign/Likely benign. Review status: criteria provided, multiple submitters, no conflicts (2 of 4 stars). 5 submissions from 5 submitters: Benign (2); Likely benign (3). Last evaluated 2026-02-02.

Conditions:
Tuberous sclerosis 2 (TSC2). Identifiers: Orphanet 805, MedGen C1860707, MONDO:0013199, OMIM 613254.

Allele frequency attached by ClinVar (database versions not stated): ExAC 0.00002; gnomAD 0.00004 and 0.00005; gnomAD exomes 0.00004; TOPMed 0.00006; 1000 Genomes Project 0.00020; 1000 Genomes Project 30x 0.00031.
gnomAD v4.1: 252 of 1,613,020 alleles (0.016%); highest among the groups gnomAD compares: Non-Finnish European, 0.021%; no homozygotes.

Submissions (5):

Labcorp Genetics (formerly Invitae), Labcorp
Classification: Benign for Tuberous sclerosis 2. Last evaluated: 2026-02-02. Review status: criteria provided, single submitter. Criteria: Invitae Variant Classification Sherloc (09022015). Collection method: clinical testing. Allele origin: germline.

Myriad Genetics, Inc.
Classification: Benign for Tuberous sclerosis 2. Last evaluated: 2025-06-06. Review status: criteria provided, single submitter. Criteria: Myriad Autosomal Dominant, Autosomal Recessive and X-Linked Classification Criteria (2023). Collection method: clinical testing. Allele origin: unknown.
Comment: This variant is considered benign. This variant is intronic and is not expected to impact mRNA splicing. This variant has been observed at a population frequency that is significantly greater than expected given the associated disease prevalence and penetrance.

Blueprint Genetics
Classification: Likely benign. Last evaluated: 2024-06-26. Review status: criteria provided, single submitter. Criteria: ACMG Guidelines, 2015. Collection method: clinical testing. Allele origin: germline.

ARUP Laboratories, Molecular Genetics and Genomics, ARUP Laboratories
Classification: Likely benign. Last evaluated: 2022-01-12. Review status: criteria provided, single submitter. Criteria: ARUP Molecular Germline Variant Investigation Process 2021. Collection method: clinical testing. Allele origin: germline.

GeneDx
Classification: Likely benign. Last evaluated: 2017-03-10. Review status: criteria provided, single submitter. Criteria: GeneDx Variant Classification (06012015). Collection method: clinical testing. Allele origin: germline. Affected: yes.
Comment: This variant is considered likely benign or benign based on one or more of the following criteria: it is a conservative change, it occurs at a poorly conserved position in the protein, it is predicted to be benign by multiple in silico algorithms, and/or has population frequency not consistent with disease.

NM_000548.5(TSC2):c.5161-20C>T

Gene: TSC2 (TSC complex subunit 2; plus strand). Cytogenetic location: 16p13.3.
Variant type: single nucleotide variant.
Coding change: c.5161-20C>T on transcript NM_000548.5 (MANE Select); 20 bases into the intron before coding-DNA position 5161, C replaced by T.
Molecular consequence: intron variant.
Genome position (GRCh38, 1-based): chr16:2,088,207, C>T. VCF-style: chr16-2088207-C-T. GRCh37 (hg19) VCF-style: chr16-2138208-C-T.
Other names: c.5092-20C>T (NM_001114382.3); c.5032-20C>T (NM_021055.3); c.5032-32C>T (NM_001370405.1); c.4963-20C>T (NM_001363528.2); c.5029-20C>T (NM_001370404.1); c.4960-20C>T (NM_001077183.3); c.4852-20C>T (NM_001318827.2); c.4429-20C>T (NM_001318831.2); and 2 more.
Identifiers: ClinVar variation 516243 (VCV000516243.17), dbSNP rs200315428, ClinGen allele CA054208.
Genomic context (GRCh38, chr16:2,088,207, plus strand): 5'-GGGGTGGGTCCAGGCGTGAGCTGGTGGGACAGGCCCAGGTGCCACCTGATAGTGAGCTCA[C>T]CCCCTGCCTACGTCCCCAGATGGCCTCACAGGTGCATCATAGCCGCTCCAACCCCACCGA-3'